The following is an entry in ClinVar:

ClinVar aggregate classification (germline): Pathogenic. Review status: criteria provided, multiple submitters, no conflicts (2 of 4 stars). 2 submissions from 2 submitters: Pathogenic (2). Last evaluated 2024-01-11.

Conditions:
Hereditary cancer-predisposing syndrome. Also called: Neoplastic Syndromes, Hereditary; Tumor predisposition; Hereditary neoplastic syndrome; Hereditary Cancer Syndrome. Identifiers: Orphanet 140162, MedGen C0027672, MeSH D009386, MONDO:0015356.
Familial cancer of breast. Also called: BREAST CANCER, FAMILIAL; Hereditary breast cancer; hereditary breast carcinoma. Identifiers: Orphanet 227535, MedGen C0346153, MONDO:0016419, OMIM 114480. Disease mechanism: loss of function.

Submissions (2):

Myriad Genetics, Inc.
Classification: Pathogenic for Familial cancer of breast. Last evaluated: 2024-01-11. Review status: criteria provided, single submitter. Criteria: Myriad Autosomal Dominant, Autosomal Recessive and X-Linked Classification Criteria (2023). Collection method: clinical testing. Allele origin: unknown.
Comment: This variant is considered pathogenic. This variant creates a termination codon and is predicted to result in premature protein truncation.

Color Diagnostics, LLC DBA Color Health
Classification: Pathogenic for Hereditary cancer-predisposing syndrome. Last evaluated: 2024-01-04. Review status: criteria provided, single submitter. Criteria: ACMG Guidelines, 2015. Collection method: clinical testing. Allele origin: germline.
Comment: This variant inserts 1 nucleotide in exon 7/63 of the ATM gene, creating a frameshift and premature translation stop signal. This variant is expected to result in an absent or non-functional protein product. To our knowledge, this variant has not been reported in individuals affected with ATM-related disorders in the literature. This variant has not been identified in the general population by the Genome Aggregation Database (gnomAD). Loss of ATM function is a known mechanism of disease. Based on the available evidence, this variant is classified as Pathogenic.

NM_000051.4(ATM):c.807dup (p.Arg270Ter)

Gene: ATM (ATM serine/threonine kinase; plus strand). Cytogenetic location: 11q22.3.
Variant type: Duplication.
Coding change: c.807dup on transcript NM_000051.4 (MANE Select); coding-DNA position 807, one base duplicated (T; older notation c.807dupT).
Protein change: p.Arg270Ter; replaces arginine 270 with a stop codon.
Molecular consequence: nonsense.
Genome position (GRCh38, 1-based): chr11:108,244,932, T duplicated. VCF-style (leftmost placement, unchanged base first): chr11-108244931-A-AT. GRCh37 (hg19) VCF-style: chr11-108115658-A-AT.
Other names: c.807dup, p.Arg270Ter (NM_001351834.2); short protein forms R270*.
Identifiers: ClinVar variation 3148537 (VCV003148537.2), dbSNP rs2497151880, ClinGen allele CA2825001760.